The following is an entry in ClinVar:

NM_170707.4(LMNA):c.211A>T (p.Ser71Cys)

Gene: LMNA (lamin A/C; plus strand). Cytogenetic location: 1q22.
Variant type: single nucleotide variant.
Coding change: c.211A>T on transcript NM_170707.4 (MANE Select); coding-DNA position 211, A replaced by T.
Protein change: p.Ser71Cys; replaces serine 71 with cysteine.
Molecular consequence: missense variant. On other transcripts: 5 prime UTR variant (8), intron variant (2).
Genome position (GRCh38, 1-based): chr1:156,115,129, A>T. VCF-style: chr1-156115129-A-T. GRCh37 (hg19) VCF-style: chr1-156084920-A-T.
Other names: p.Ser71Cys; c.211A>T, p.Ser71Cys (NM_001282625.2, NM_001282626.2, NM_001406983.1 and 6 more transcripts); c.-213A>T (NM_001406986.1); c.-191A>T (NM_001406990.1, NM_001406995.1, NM_001407002.1); c.-454A>T (NM_001406994.1, NM_001407000.1); c.-634A>T (NM_001406999.1); c.-297A>T (NM_001407001.1); c.-203+8306A>T (NM_001406993.1, NM_001407003.1); short protein forms S71C.
Identifiers: ClinVar variation 4845275 (VCV004845275.1).

ClinVar aggregate classification (germline): Uncertain significance (1 of 4 stars; one submission).

Conditions:
Congenital muscular dystrophy due to LMNA mutation. Also called: Congenital muscular dystrophy, LMNA-related; Lamin A-related Congenital Muscular Dystrophy. Identifiers: Orphanet 157973, MedGen C2750785, MONDO:0013178, OMIM 613205.

Submission:

Foundation for Research in Genetics and Endocrinology, FRIGE's Institute of Human Genetics
Classification: Uncertain significance for Congenital muscular dystrophy due to LMNA mutation. Last evaluated: 2026-03-10. Review status: criteria provided, single submitter. Criteria: ACMG Guidelines, 2015. Collection method: clinical testing. Allele origin: germline. Inheritance: Autosomal dominant inheritance. Affected: yes. Observed: 1 variant allele, 1 heterozygote.
Comment: A heterozygous variant c.211A>T (p.Ser71Cys) in exon 1 of the LMNA gene. This variant has not been reported in 1000 genomes and gnomAD databases. The in-silico prediction of the variant is damaging by DANN and MutationTaster. In summary, the variant meets our criteria to be classified as a variant of uncertain significance.